The following is an entry in ClinVar:

NM_024422.6(DSC2):c.608G>A (p.Arg203His)

Gene: DSC2 (desmocollin 2; minus strand). Cytogenetic location: 18q12.1.
Variant type: single nucleotide variant.
Coding change: c.608G>A on transcript NM_024422.6 (MANE Select); coding-DNA position 608, G replaced by A.
Protein change: p.Arg203His; replaces arginine 203 with histidine.
Molecular consequence: missense variant.
Genome position (GRCh38, 1-based): chr18:31,089,461, C>T on the plus strand (G>A on the coding strand, the complement: DSC2 is on the minus strand). VCF-style: chr18-31089461-C-T. GRCh37 (hg19) VCF-style: chr18-28669424-C-T.
Other names: c.608G>A, p.Arg203His (NM_004949.5); short protein forms R203H.
Identifiers: ClinVar variation 372720 (VCV000372720.20), dbSNP rs758527425, ClinGen allele CA038941.

ClinVar aggregate classification (germline): Uncertain significance. Review status: criteria provided, multiple submitters, no conflicts (2 of 4 stars). 6 submissions from 6 submitters: Uncertain significance (6). Last evaluated 2026-10-19.

Conditions:
Familial isolated arrhythmogenic right ventricular dysplasia. Identifiers: Orphanet 217656, MedGen C4274968, MONDO:0016342.
Cardiomyopathy (CMYO). Also called: Cardiomyopathies. Identifiers: Orphanet 167848, MedGen C0878544, MONDO:0004994, HP:0001638. Inheritance: Various modes of inheritance.
Arrhythmogenic right ventricular dysplasia 11. Also called: Arrhythmogenic Right Ventricular Dysplasia/Cardiomyopathy11; ARRHYTHMOGENIC RIGHT VENTRICULAR DYSPLASIA, FAMILIAL, 11; Arrhythmogenic right ventricular dysplasia 11 with mild palmoplantar keratoderma and woolly hair. Identifiers: MedGen C1864850, MONDO:0012506, OMIM 610476.

Allele frequency attached by ClinVar (database versions not stated): ExAC 0.00002; gnomAD exomes 0.00001 and 0.00002; gnomAD 0.00001; TOPMed 0.00001.
gnomAD v4.1: 32 of 1,613,654 alleles (0.002%); highest among the groups gnomAD compares: Non-Finnish European, 0.0027%; no homozygotes.

Submissions (6):

GeneDx
Classification: Uncertain significance. Last evaluated: 2026-10-19. Review status: criteria provided, single submitter. Criteria: GeneDx Variant Classification Process June 2021. Collection method: clinical testing. Allele origin: germline.
Comment: Not observed at significant frequency in large population cohorts (gnomAD); In silico analysis supports that this missense variant has a deleterious effect on protein structure/function; Reported in at least one individual with ARVC who first experienced ventricular tachycardia at 17 years of age and was found to have depolarization, repolarization, and structural abnormalities upon evaluation (PMID: 21606396, 21636032, 25820315); This variant is associated with the following publications: (PMID: 21636032, 25820315, 26310507, 31402444, 23871674, 36264615, 21606396)

Labcorp Genetics (formerly Invitae), Labcorp
Classification: Uncertain significance for Arrhythmogenic right ventricular dysplasia 11. Last evaluated: 2025-09-14. Review status: criteria provided, single submitter. Criteria: Invitae Variant Classification Sherloc (09022015). Collection method: clinical testing. Allele origin: germline.
Comment: This sequence change replaces arginine, which is basic and polar, with histidine, which is basic and polar, at codon 203 of the DSC2 protein (p.Arg203His). This variant is present in population databases (rs758527425, gnomAD 0.003%). This missense change has been observed in individual(s) with arrhythmogenic right ventricular cardiomyopathy in the heterozygous and/or homozygous state (PMID: 21636032, 23871674). ClinVar contains an entry for this variant (Variation ID: 372720). Invitae Evidence Modeling of protein sequence and biophysical properties (such as structural, functional, and spatial information, amino acid conservation, physicochemical variation, residue mobility, and thermodynamic stability) indicates that this missense variant is expected to disrupt DSC2 protein function with a positive predictive value of 80%. This variant disrupts the p.Arg203 amino acid residue in DSC2. Other variant(s) that disrupt this residue have been observed in individuals with DSC2-related conditions (PMID: 21062920), which suggests that this may be a clinically significant amino acid residue. In summary, the available evidence is currently insufficient to determine the role of this variant in disease. Therefore, it has been classified as a Variant of Uncertain Significance.

Blueprint Genetics
Classification: Uncertain significance. Last evaluated: 2024-10-29. Review status: criteria provided, single submitter. Criteria: ACMG Guidelines, 2015. Collection method: clinical testing. Allele origin: germline.

All of Us Research Program, National Institutes of Health
Classification: Uncertain significance for Familial isolated arrhythmogenic right ventricular dysplasia. Last evaluated: 2024-09-23. Review status: criteria provided, single submitter. Criteria: ACMG Guidelines, 2015. Collection method: clinical testing. Allele origin: germline. Inheritance: Autosomal dominant inheritance. Observed: 3 variant alleles, 3 heterozygotes.
Comment: This missense variant replaces arginine with histidine at codon 203 of the DSC2 protein. Computational prediction tools and conservation analyses suggest that this variant may not impact protein structure and function. Splice site prediction tools suggest that this variant may not impact RNA splicing. To our knowledge, functional studies have not been performed for this variant. This variant has been reported in homozygosity in an individual affected with arrhythmogenic right ventricular cardiomyopathy (PMID: 21606396). This variant has also been identified in 3/251390 chromosomes in the general population by the Genome Aggregation Database (gnomAD). The available evidence is insufficient to determine the role of this variant in disease conclusively. Therefore, this variant is classified as a Variant of Uncertain Significance.

This study involves interpretation of variants in research participants for the purpose of population health screening. Participant phenotype was not available at the time of variant classification. Additional details can be found in publication PMID: 35346344, PMCID: PMC8962531

Color Diagnostics, LLC DBA Color Health
Classification: Uncertain significance for Cardiomyopathy. Last evaluated: 2024-03-19. Review status: criteria provided, single submitter. Criteria: ACMG Guidelines, 2015. Collection method: clinical testing. Allele origin: germline.
Comment: This missense variant replaces arginine with histidine at codon 203 of the DSC2 protein. Computational prediction suggests that this variant may not impact protein structure and function (internally defined REVEL score threshold <= 0.5, PMID: 27666373). To our knowledge, functional studies have not been reported for this variant. This variant has been reported in homozygosity in an individual affected with arrhythmogenic right ventricular cardiomyopathy (PMID: 21606396). This variant has been identified in 3/251390 chromosomes in the general population by the Genome Aggregation Database (gnomAD). The available evidence is insufficient to determine the role of this variant in disease conclusively. Therefore, this variant is classified as a Variant of Uncertain Significance.

Molecular Diagnostic Laboratory for Inherited Cardiovascular Disease, Montreal Heart Institute
Classification: Uncertain significance. Last evaluated: 2019-01-18. Review status: criteria provided, single submitter. Criteria: ACMG Guidelines, 2015. Collection method: clinical testing. Allele origin: germline. Affected: yes.

Literature cited by the submitters: PubMed 21636032 (cited by Labcorp Genetics (formerly Invitae), Labcorp); PubMed 23871674 (cited by Labcorp Genetics (formerly Invitae), Labcorp); PubMed 21062920 (cited by Labcorp Genetics (formerly Invitae), Labcorp); PubMed 21606396 (cited by All of Us Research Program, National Institutes of Health and Color Diagnostics, LLC DBA Color Health).